The following is an entry in ClinVar:

ClinVar aggregate classification (germline): Uncertain significance (1 of 4 stars; one submission).

Allele frequency attached by ClinVar (database versions not stated): gnomAD 0.00001 and 0.00002; gnomAD exomes 0.00002 and 0.00004; ExAC 0.00003; TOPMed 0.00003; ESP Exome Variant Server 0.00008.
gnomAD v4.1: 54 of 1,611,706 alleles (0.0034%); highest among the groups gnomAD compares: Non-Finnish European, 0.0044%; no homozygotes.

Submission:

Labcorp Genetics (formerly Invitae), Labcorp
Classification: Uncertain significance. Last evaluated: 2025-08-31. Review status: criteria provided, single submitter. Criteria: Invitae Variant Classification Sherloc (09022015). Collection method: clinical testing. Allele origin: germline.
Comment: This sequence change falls in intron 2 of the TSPAN12 gene. It does not directly change the encoded amino acid sequence of the TSPAN12 protein. It affects a nucleotide within the consensus splice site. This variant is present in population databases (rs371164153, gnomAD 0.004%). This variant has not been reported in the literature in individuals affected with TSPAN12-related conditions. ClinVar contains an entry for this variant (Variation ID: 957185). Variants that disrupt the consensus splice site are a relatively common cause of aberrant splicing (PMID: 17576681, 9536098). Algorithms developed to predict the effect of sequence changes on RNA splicing suggest that this variant is not likely to affect RNA splicing. In summary, the available evidence is currently insufficient to determine the role of this variant in disease. Therefore, it has been classified as a Variant of Uncertain Significance.

Literature cited by the submitters: PubMed 17576681; PubMed 9536098.

NM_012338.4(TSPAN12):c.67-3C>T

Gene: TSPAN12 (tetraspanin 12; minus strand). Cytogenetic location: 7q31.31.
Variant type: single nucleotide variant.
Coding change: c.67-3C>T on transcript NM_012338.4 (MANE Select); 3 bases into the intron before coding-DNA position 67, C replaced by T.
Molecular consequence: intron variant.
Genome position (GRCh38, 1-based): chr7:120,840,112, G>A on the plus strand (C>T on the coding strand, the complement: TSPAN12 is on the minus strand). VCF-style: chr7-120840112-G-A. GRCh37 (hg19) VCF-style: chr7-120480166-G-A.
Identifiers: ClinVar variation 957185 (VCV000957185.9), dbSNP rs371164153, ClinGen allele CA4454002.